The following is an entry in ClinVar:

NM_000726.5(CACNB4):c.*2683T>C

Gene: CACNB4 (calcium voltage-gated channel auxiliary subunit beta 4; minus strand). Cytogenetic location: 2q23.3.
Variant type: single nucleotide variant.
Coding change: c.*2683T>C on transcript NM_000726.5 (MANE Select); 2683 bases downstream of the stop codon, T replaced by C.
Molecular consequence: 3 prime UTR variant.
Genome position (GRCh38, 1-based): chr2:151,836,436, A>G on the plus strand (T>C on the coding strand, the complement: CACNB4 is on the minus strand). VCF-style: chr2-151836436-A-G. GRCh37 (hg19) VCF-style: chr2-152692950-A-G.
Other names: c.*2683T>C (NM_001005746.4, NM_001005747.4, NM_001145798.3 and 7 more transcripts).
Identifiers: ClinVar variation 893445 (VCV000893445.4), dbSNP rs140144615, ClinGen allele CA57682469.

ClinVar aggregate classification (germline): Benign (1 of 4 stars; one submission).

Conditions:
Episodic ataxia type 5. Identifiers: Orphanet 211067, MedGen C1866039, MONDO:0013464, OMIM 613855.

Allele frequency attached by ClinVar (database versions not stated): gnomAD 0.00683 and 0.00731; 1000 Genomes Project 0.00759; TOPMed 0.00762; 1000 Genomes Project 30x 0.00843.

Submission:

Illumina Laboratory Services, Illumina
Classification: Benign for Episodic ataxia type 5. Last evaluated: 2018-01-13. Review status: criteria provided, single submitter. Criteria: ICSL Variant Classification Criteria 13 December 2019. Collection method: clinical testing. Allele origin: germline.
Comment: This variant was observed in the ICSL laboratory as part of a predisposition screen in an ostensibly healthy population. It had not been previously curated by ICSL or reported in the Human Gene Mutation Database (HGMD: prior to June 1st, 2018), and was therefore a candidate for classification through an automated scoring system. Utilizing variant allele frequency, disease prevalence and penetrance estimates, and inheritance mode, an automated score was calculated to assess if this variant is too frequent to cause the disease. Based on the score and internal cut-off values, a variant classified as benign is not then subjected to further curation. The score for this variant resulted in a classification of benign for this disease.